The following is an entry in ClinVar:

NM_018076.5(ODAD2):c.1514C>G (p.Thr505Ser)

Gene: ODAD2 (outer dynein arm docking complex subunit 2; minus strand). Cytogenetic location: 10p12.1.
Variant type: single nucleotide variant.
Coding change: c.1514C>G on transcript NM_018076.5 (MANE Select); coding-DNA position 1514, C replaced by G.
Protein change: p.Thr505Ser; replaces threonine 505 with serine.
Molecular consequence: missense variant.
Genome position (GRCh38, 1-based): chr10:27,944,835, G>C on the plus strand (C>G on the coding strand, the complement: ODAD2 is on the minus strand). VCF-style: chr10-27944835-G-C. GRCh37 (hg19) VCF-style: chr10-28233764-G-C.
Other names: c.1514C>G, p.Thr505Ser (NM_001290020.2); c.89C>G, p.Thr30Ser (NM_001290021.2); c.590C>G, p.Thr197Ser (NM_001312689.2); short protein forms T505S, T197S, T30S.
Identifiers: ClinVar variation 3882558 (VCV003882558.1).

ClinVar aggregate classification (germline): Uncertain significance (1 of 4 stars; one submission).

Conditions:
Primary ciliary dyskinesia. Also called: Ciliary dyskinesia. Identifiers: Orphanet 244, MedGen C0008780, MONDO:0016575, HP:0012265.

gnomAD v4.1: 22 of 1,614,100 alleles (0.0014%); highest among the groups gnomAD compares: Non-Finnish European, 0.0017%; no homozygotes.

Submission:

Ambry Genetics
Classification: Uncertain significance for Primary ciliary dyskinesia. Last evaluated: 2024-12-17. Review status: criteria provided, single submitter. Criteria: Ambry Variant Classification Scheme 2023. Collection method: clinical testing. Allele origin: germline.
Comment: The p.T505S variant (also known as c.1514C>G), located in coding exon 10 of the ARMC4 gene, results from a C to G substitution at nucleotide position 1514. The threonine at codon 505 is replaced by serine, an amino acid with similar properties. This amino acid position is conserved. In addition, this alteration is predicted to be tolerated by in silico analysis. Based on the available evidence, the clinical significance of this variant remains unclear.